The following is an entry in ClinVar:

ClinVar aggregate classification (germline): Uncertain significance (1 of 4 stars; one submission).

Conditions:
Propionic acidemia (PROP). Also called: GLYCINEMIA, KETOTIC; HYPERGLYCINEMIA WITH KETOACIDOSIS AND LEUKOPENIA; KETOTIC HYPERGLYCINEMIA. Identifiers: Orphanet 35, MedGen C0268579, MONDO:0011628, OMIM 606054, HP:0003571.

Allele frequency attached by ClinVar (database versions not stated): gnomAD exomes 0.00019; 1000 Genomes Project 30x 0.00031.
gnomAD v4.1: 311 of 1,614,062 alleles (0.019%); highest among the groups gnomAD compares: Admixed American, 0.028%; no homozygotes.

Submission:

Labcorp Genetics (formerly Invitae), Labcorp
Classification: Uncertain significance for Propionic acidemia. Last evaluated: 2022-06-23. Review status: criteria provided, single submitter. Criteria: Invitae Variant Classification Sherloc (09022015). Collection method: clinical testing. Allele origin: germline.
Comment: This sequence change replaces histidine, which is basic and polar, with asparagine, which is neutral and polar, at codon 411 of the PCCB protein (p.His411Asn). This variant is present in population databases (rs201751368, gnomAD 0.009%). This variant has not been reported in the literature in individuals affected with PCCB-related conditions. Algorithms developed to predict the effect of missense changes on protein structure and function are either unavailable or do not agree on the potential impact of this missense change (SIFT: "Deleterious"; PolyPhen-2: "Benign"; Align-GVGD: "Class C65"). In summary, the available evidence is currently insufficient to determine the role of this variant in disease. Therefore, it has been classified as a Variant of Uncertain Significance.

NM_000532.5(PCCB):c.1231C>A (p.His411Asn)

Gene: PCCB (propionyl-CoA carboxylase subunit beta; plus strand). Cytogenetic location: 3q22.3.
Variant type: single nucleotide variant.
Coding change: c.1231C>A on transcript NM_000532.5 (MANE Select); coding-DNA position 1231, C replaced by A.
Protein change: p.His411Asn; replaces histidine 411 with asparagine.
Molecular consequence: missense variant.
Genome position (GRCh38, 1-based): chr3:136,327,187, C>A. VCF-style: chr3-136327187-C-A. GRCh37 (hg19) VCF-style: chr3-136046029-C-A.
Other names: c.1291C>A, p.His431Asn (NM_001178014.2); short protein forms H411N, H431N.
Identifiers: ClinVar variation 1955071 (VCV001955071.2), dbSNP rs201751368, ClinGen allele CA2632110.